The following is an entry in ClinVar:

NM_001127511.3(APC):c.165+25278G>T

Gene: APC (APC regulator of Wnt signaling pathway; plus strand). Cytogenetic location: 5q22.2.
Variant type: single nucleotide variant.
Coding change: c.165+25278G>T on transcript NM_001127511.3; 25278 bases into the intron after coding-DNA position 165, G replaced by T.
Molecular consequence: intron variant.
Genome position (GRCh38, 1-based): chr5:112,733,160, G>T. VCF-style: chr5-112733160-G-T. GRCh37 (hg19) VCF-style: chr5-112068857-G-T.
Other names: c.-1053-21713G>T (NM_001407470.1, NM_001407472.1); c.-18-21713G>T (NM_001407447.1, NM_001354895.2, NM_001407456.1 and 7 more transcripts); c.165+25278G>T (NM_001407446.1, NM_001354897.2, NM_001354902.2); c.-43+25511G>T (NM_001407453.1).
Identifiers: ClinVar variation 82310 (VCV000082310.4), dbSNP rs76303949, ClinGen allele CA023570.

ClinVar aggregate classification (germline): other (0 of 4 stars; one submission).

Conditions:
Familial colorectal cancer. Identifiers: MedGen CN280943, MONDO:0023113. Disease mechanism: loss of function.

Submission:

Systems Biology Platform Zhejiang California International NanoSystems Institute
Classification: other for Familial colorectal cancer. Review status: no assertion criteria provided. Collection method: not provided. Allele origin: unknown.
ClinVar note: Converted during submission from cancer to other.